The following is an entry in ClinVar:

ClinVar aggregate classification (germline): Uncertain significance (1 of 4 stars; one submission).

Submission:

Ambry Genetics
Classification: Uncertain significance. Last evaluated: 2023-03-29. Review status: criteria provided, single submitter. Criteria: Ambry Variant Classification Scheme 2023. Collection method: clinical testing. Allele origin: germline.
Comment: The p.L579P variant (also known as c.1736T>C), located in coding exon 11 of the POLQ gene, results from a T to C substitution at nucleotide position 1736. The leucine at codon 579 is replaced by proline, an amino acid with similar properties. This amino acid position is conserved. In addition, this alteration is predicted to be tolerated by in silico analysis. Since supporting evidence is limited at this time, the clinical significance of this alteration remains unclear.

NM_199420.4(POLQ):c.1736T>C (p.Leu579Pro)

Gene: POLQ (DNA polymerase theta; minus strand). Cytogenetic location: 3q13.33.
Variant type: single nucleotide variant.
Coding change: c.1736T>C on transcript NM_199420.4 (MANE Select); coding-DNA position 1736, T replaced by C.
Protein change: p.Leu579Pro; replaces leucine 579 with proline.
Molecular consequence: missense variant.
Genome position (GRCh38, 1-based): chr3:121,510,119, A>G on the plus strand (T>C on the coding strand, the complement: POLQ is on the minus strand). VCF-style: chr3-121510119-A-G. GRCh37 (hg19) VCF-style: chr3-121228966-A-G.
Other names: short protein forms L579P.
Identifiers: ClinVar variation 2563777 (VCV002563777.2), dbSNP rs2048242072, ClinGen allele CA354114728.